The following is an entry in ClinVar:

ClinVar aggregate classification (germline): Likely pathogenic. Review status: reviewed by expert panel (3 of 4 stars). 3 submissions from 3 submitters: Likely pathogenic (1). 2 of the submissions do not count toward it. Last evaluated 2026-10-15.

Conditions:
Hereditary thrombocytopenia and hematologic cancer predisposition syndrome. Identifiers: Orphanet 71290, MedGen CN281654, MONDO:0011071.

Submissions (3):

ClinGen Myeloid Malignancy Variant Curation Expert Panel
Classification: Likely pathogenic for Hereditary thrombocytopenia and hematologic cancer predisposition syndrome. Last evaluated: 2026-10-15. Review status: reviewed by expert panel. Criteria: ClinGen MyeloMalig ACMG Specifications V3.1. Collection method: curation. Allele origin: germline. Inheritance: Autosomal dominant inheritance.
Comment: NM_001754.5(RUNX1):c.339del (p.Ile114fs) is a frameshift variant which is predicted to undergo NMD (PVS1). This variant is completely absent from all population databases with at least 20x coverage for RUNX1 (PM2_supporting). In summary, this variant meets criteria to be classified as likely pathogenic. ACMG/AMP criteria applied, as specified by the Myeloid Malignancy Variant Curation Expert Panel for RUNX1: PVS1, PM2_Supporting.

CeGaT Center for Human Genetics Tuebingen
Classification: Pathogenic. Last evaluated: 2024-05-01. Review status: criteria provided, single submitter. Criteria: CeGaT Center For Human Genetics Tuebingen Variant Classification Criteria Version 2. Collection method: clinical testing. Allele origin: germline. Affected: yes. Observed: 1 variant allele. Not counted in ClinVar's aggregate classification.
Comment: RUNX1: PVS1, PM2

PreventionGenetics, part of Exact Sciences
Classification: Likely pathogenic. Last evaluated: 2018-07-12. Review status: criteria provided, single submitter. Criteria: ACMG Guidelines, 2015. Collection method: clinical testing. Allele origin: germline. Not counted in ClinVar's aggregate classification.

NM_001754.5(RUNX1):c.339del (p.Ile114fs)

Gene: RUNX1 (RUNX family transcription factor 1; minus strand). Cytogenetic location: 21q22.12.
Variant type: Deletion.
Coding change: c.339del on transcript NM_001754.5 (MANE Select); coding-DNA position 339, one base deleted (C; older notation c.339delC).
Protein change: p.Ile114fs; shifts the reading frame from isoleucine 114.
Molecular consequence: frameshift variant.
Genome position (GRCh38, 1-based): chr21:34,886,855, G deleted on the plus strand (C on the coding strand, the reverse complement: RUNX1 is on the minus strand); the first of 3 consecutive G bases (chr21:34,886,855-34,886,857); deleting any one gives the same sequence. VCF-style (leftmost placement, unchanged base first): chr21-34886854-TG-T. GRCh37 (hg19) VCF-style: chr21-36259151-TG-T.
Other names: NM_001754.5(RUNX1):c.339del; p.Ile114fs; c.339delC (NM_001754.4); c.258del, p.Ile87fs (NM_001001890.3, NM_001122607.2); short protein forms I114fs, I87fs.
Identifiers: ClinVar variation 561235 (VCV000561235.23), dbSNP rs1569084032, ClinGen allele CA658824421.